The following is an entry in ClinVar:

ClinVar aggregate classification (germline): Likely benign. Review status: criteria provided, multiple submitters, no conflicts (2 of 4 stars). 4 submissions from 4 submitters: Likely benign (4). Last evaluated 2025-11-05.

Allele frequency attached by ClinVar (database versions not stated): ESP Exome Variant Server 0.00008; gnomAD exomes 0.00001; gnomAD 0.00002; ExAC 0.00003; TOPMed 0.00003.
gnomAD v4.1: 21 of 1,613,640 alleles (0.0013%); highest among the groups gnomAD compares: Middle Eastern, 0.016%; no homozygotes.

Submissions (4):

Labcorp Genetics (formerly Invitae), Labcorp
Classification: Likely benign. Last evaluated: 2025-11-05. Review status: criteria provided, single submitter. Criteria: Invitae Variant Classification Sherloc (09022015). Collection method: clinical testing. Allele origin: germline.

Ambry Genetics
Classification: Likely benign. Last evaluated: 2023-05-11. Review status: criteria provided, single submitter. Criteria: Ambry Variant Classification Scheme 2023. Collection method: clinical testing. Allele origin: germline.

Women's Health and Genetics/Laboratory Corporation of America, LabCorp
Classification: Likely benign. Last evaluated: 2022-12-11. Review status: criteria provided, single submitter. Criteria: LabCorp Variant Classification Summary - May 2015. Collection method: clinical testing. Allele origin: germline.

CeGaT Center for Human Genetics Tuebingen
Classification: Likely benign. Last evaluated: 2022-03-01. Review status: criteria provided, single submitter. Criteria: CeGaT Center For Human Genetics Tuebingen Variant Classification Criteria Version 2. Collection method: clinical testing. Allele origin: germline. Affected: yes. Observed: 1 variant allele.
Comment: A2ML1: BP4, BP7

NM_144670.6(A2ML1):c.3393G>A (p.Thr1131=)

Gene: A2ML1 (alpha-2-macroglobulin like 1; plus strand). Cytogenetic location: 12p13.31.
Variant type: single nucleotide variant.
Coding change: c.3393G>A on transcript NM_144670.6 (MANE Select); coding-DNA position 3393, G replaced by A.
Protein change: p.Thr1131=; no amino-acid change (threonine 1131 retained).
Molecular consequence: synonymous variant.
Genome position (GRCh38, 1-based): chr12:8,861,188, G>A. VCF-style: chr12-8861188-G-A. GRCh37 (hg19) VCF-style: chr12-9013784-G-A.
Other names: c.1920G>A, p.Thr640= (NM_001282424.3); c.3393G>A (NM_144670.3).
Identifiers: ClinVar variation 1878275 (VCV001878275.28), dbSNP rs370779068, ClinGen allele CA6436372.